The following is an entry in ClinVar:

ClinVar aggregate classification (germline): Uncertain significance (1 of 4 stars; one submission).

Conditions:
Paroxysmal extreme pain disorder (PEXPD). Also called: PAIN, SUBMANDIBULAR, OCULAR, AND RECTAL, WITH FLUSHING; RECTAL PAIN, FAMILIAL; SCN9A Paroxysmal Extreme Pain Disorder (SCN9A-PEPD). Identifiers: Orphanet 46348, MedGen C1833661, MONDO:0008179, OMIM 167400.

Submission:

3billion
Classification: Uncertain significance for Paroxysmal extreme pain disorder. Last evaluated: 2023-08-09. Review status: criteria provided, single submitter. Criteria: ACMG Guidelines, 2015. Collection method: clinical testing. Allele origin: germline. Affected: yes.
Comment: The variant is not observed in the gnomAD v2.1.1 dataset. Predicted Consequence/Location: Missense variant In silico tool predictions suggest damaging effect of the variant on gene or gene product [REVEL: 0.83 (>=0.6, sensitivity 0.68 and specificity 0.92); 3Cnet: 0.77 (>=0.6, sensitivity 0.72 and precision 0.9)]. Therefore, this variant is classified as VUS according to the recommendation of ACMG/AMP guideline.

NM_001365536.1(SCN9A):c.4688T>G (p.Val1563Gly)

Genes: SCN1A-AS1 (SCN1A and SCN9A antisense RNA 1; plus strand), SCN9A (sodium voltage-gated channel alpha subunit 9; minus strand). Cytogenetic location: 2q24.3.
Variant type: single nucleotide variant.
Coding change: c.4688T>G on transcript NM_001365536.1 (MANE Select); coding-DNA position 4688, T replaced by G.
Protein change: p.Val1563Gly; replaces valine 1563 with glycine.
Molecular consequence: missense variant.
Genome position (GRCh38, 1-based): chr2:166,204,041, A>C on the plus strand (T>G on the coding strand, the complement: SCN9A is on the minus strand). VCF-style: chr2-166204041-A-C. GRCh37 (hg19) VCF-style: chr2-167060551-A-C.
Other names: c.4655T>G, p.Val1552Gly (NM_002977.4); short protein forms V1552G, V1563G.
Identifiers: ClinVar variation 3776219 (VCV003776219.1).